The following is an entry in ClinVar:

NM_000642.3(AGL):c.1050G>A (p.Met350Ile)

Gene: AGL (amylo-alpha-1,6-glucosidase and 4-alpha-glucanotransferase; plus strand). Cytogenetic location: 1p21.2.
Variant type: single nucleotide variant.
Coding change: c.1050G>A on transcript NM_000642.3 (MANE Select); coding-DNA position 1050, G replaced by A.
Protein change: p.Met350Ile; replaces methionine 350 with isoleucine.
Molecular consequence: missense variant.
Genome position (GRCh38, 1-based): chr1:99,874,778, G>A. VCF-style: chr1-99874778-G-A. GRCh37 (hg19) VCF-style: chr1-100340334-G-A.
Other names: c.1050G>A, p.Met350Ile (NM_000028.3, NM_000643.3, NM_000644.3 and 3 more transcripts); c.1002G>A, p.Met334Ile (NM_000646.3); c.846G>A, p.Met282Ile (NM_001425328.1, NM_001425329.1); c.672G>A, p.Met224Ile (NM_001425332.1); short protein forms M350I, M334I, M224I, M282I.
Identifiers: ClinVar variation 291329 (VCV000291329.16), dbSNP rs140872573, ClinGen allele CA966358.
Genomic context (GRCh38, chr1:99,874,778, plus strand): 5'-CCAACACCTTACGATTATTCAAGATCCTGAATACAGACGGTTTGGCTGTACTGTAGATAT[G>A]AACATTGCACTAACGACTTTCATACCACATGAGTATGTAATGTGTTTTTTTCTGTGAAAT-3'
Protein context (NP_000633.2, residues 340-360): EYRRFGCTVD[Met350Ile]NIALTTFIPH

ClinVar aggregate classification (germline): Uncertain significance. Review status: criteria provided, multiple submitters, no conflicts (2 of 4 stars). 3 submissions from 3 submitters: Uncertain significance (2). 1 of the submissions does not count toward it. Last evaluated 2024-04-15.

Conditions:
Glycogen storage disease type III (GSD3). Also called: FORBES DISEASE; Cori disease. Identifiers: Orphanet 366, MedGen C0017922, MONDO:0009291, OMIM 232400.

Allele frequency attached by ClinVar (database versions not stated): gnomAD 0.00001; ExAC 0.00002; gnomAD exomes 0.00002 and 0.00005; ESP Exome Variant Server 0.00008.
gnomAD v4.1: 66 of 1,613,672 alleles (0.0041%); highest among the groups gnomAD compares: East Asian, 0.04%; no homozygotes.

Submissions (3):

Labcorp Genetics (formerly Invitae), Labcorp
Classification: Uncertain significance for Glycogen storage disease type III. Last evaluated: 2024-04-15. Review status: criteria provided, single submitter. Criteria: Invitae Variant Classification Sherloc (09022015). Collection method: clinical testing. Allele origin: germline.
Comment: This sequence change replaces methionine, which is neutral and non-polar, with isoleucine, which is neutral and non-polar, at codon 350 of the AGL protein (p.Met350Ile). This variant is present in population databases (rs140872573, gnomAD 0.02%). This variant has not been reported in the literature in individuals affected with AGL-related conditions. ClinVar contains an entry for this variant (Variation ID: 291329). Advanced modeling of protein sequence and biophysical properties (such as structural, functional, and spatial information, amino acid conservation, physicochemical variation, residue mobility, and thermodynamic stability) performed at Invitae indicates that this missense variant is not expected to disrupt AGL protein function with a negative predictive value of 80%. In summary, the available evidence is currently insufficient to determine the role of this variant in disease. Therefore, it has been classified as a Variant of Uncertain Significance.

Genome-Nilou Lab
Classification: Uncertain significance for Glycogen storage disease type III. Last evaluated: 2021-07-15. Review status: criteria provided, single submitter. Criteria: ACMG Guidelines, 2015. Collection method: clinical testing. Allele origin: germline. Affected: no.

Natera, Inc.
Classification: Uncertain significance for Glycogen storage disease type III. Last evaluated: 2021-10-18. Review status: no assertion criteria provided. Collection method: clinical testing. Allele origin: germline. Not counted in ClinVar's aggregate classification.